The following is an entry in ClinVar:

NM_000660.7(TGFB1):c.901G>C (p.Asp301His)

Gene: TGFB1 (transforming growth factor beta 1; minus strand). Cytogenetic location: 19q13.2.
Variant type: single nucleotide variant.
Coding change: c.901G>C on transcript NM_000660.7 (MANE Select); coding-DNA position 901, G replaced by C.
Protein change: p.Asp301His; replaces aspartic acid 301 with histidine.
Molecular consequence: missense variant.
Genome position (GRCh38, 1-based): chr19:41,332,241, C>G on the plus strand (G>C on the coding strand, the complement: TGFB1 is on the minus strand). VCF-style: chr19-41332241-C-G. GRCh37 (hg19) VCF-style: chr19-41838146-C-G.
Other names: short protein forms D301H.
Identifiers: ClinVar variation 1365198 (VCV001365198.8), dbSNP rs2037941311, ClinGen allele CA405998614.
Genomic context (GRCh38, chr19:41,332,241, plus strand): 5'-AGTTGGCATGGTAGCCCTTGGGCTCGTGGATCCACTTCCAGCCGAGGTCCTTGCGGAAGT[C>G]AATGTACAGCTGCCGCACGCAGCAGTTCTTCTCCGTGGAGCTGCAGGCAGGAGAGACGCG-3'
Protein context (NP_000651.3, residues 291-311): KNCCVRQLYI[Asp301His]FRKDLGWKWI

ClinVar aggregate classification (germline): Uncertain significance (1 of 4 stars; one submission).

Allele frequency attached by ClinVar (database versions not stated): gnomAD exomes below 0.00001; TOPMed below 0.00001.
gnomAD v4.1: 1 of 1,614,180 alleles (0.000062%); highest among the groups gnomAD compares: African/African-American, 0.0013%; no homozygotes.

Submission:

Labcorp Genetics (formerly Invitae), Labcorp
Classification: Uncertain significance. Last evaluated: 2021-07-09. Review status: criteria provided, single submitter. Criteria: Invitae Variant Classification Sherloc (09022015). Collection method: clinical testing. Allele origin: germline.
Comment: This sequence change replaces aspartic acid with histidine at codon 301 of the TGFB1 protein (p.Asp301His). The aspartic acid residue is moderately conserved and there is a moderate physicochemical difference between aspartic acid and histidine. This variant is not present in population databases (ExAC no frequency). This variant has not been reported in the literature in individuals affected with TGFB1-related conditions. Algorithms developed to predict the effect of missense changes on protein structure and function are either unavailable or do not agree on the potential impact of this missense change (SIFT: "Tolerated"; PolyPhen-2: "Probably Damaging"; Align-GVGD: "Class C0"). In summary, the available evidence is currently insufficient to determine the role of this variant in disease. Therefore, it has been classified as a Variant of Uncertain Significance.